The following is an entry in ClinVar:

NM_004260.4(RECQL4):c.1933A>T (p.Thr645Ser)

Gene: RECQL4 (RecQ like helicase 4; minus strand). Cytogenetic location: 8q24.3.
Variant type: single nucleotide variant.
Coding change: c.1933A>T on transcript NM_004260.4 (MANE Select); coding-DNA position 1933, A replaced by T.
Protein change: p.Thr645Ser; replaces threonine 645 with serine.
Molecular consequence: missense variant.
Genome position (GRCh38, 1-based): chr8:144,514,053, T>A on the plus strand (A>T on the coding strand, the complement: RECQL4 is on the minus strand). VCF-style: chr8-144514053-T-A. GRCh37 (hg19) VCF-style: chr8-145739437-T-A.
Other names: short protein forms T645S.
Identifiers: ClinVar variation 1373200 (VCV001373200.6), dbSNP rs1302391250, ClinGen allele CA372680459.

ClinVar aggregate classification (germline): Uncertain significance (1 of 4 stars; one submission).

Conditions:
Baller-Gerold syndrome (BGS). Also called: CRANIOSYNOSTOSIS WITH RADIAL DEFECTS. Identifiers: Orphanet 1225, MedGen C0265308, MONDO:0009039, OMIM 218600.

Submission:

Labcorp Genetics (formerly Invitae), Labcorp
Classification: Uncertain significance for Baller-Gerold syndrome. Last evaluated: 2021-08-07. Review status: criteria provided, single submitter. Criteria: Invitae Variant Classification Sherloc (09022015). Collection method: clinical testing. Allele origin: germline.
Comment: This sequence change replaces threonine with serine at codon 645 of the RECQL4 protein (p.Thr645Ser). The threonine residue is highly conserved and there is a small physicochemical difference between threonine and serine. This variant is not present in population databases (ExAC no frequency). This variant has not been reported in the literature in individuals affected with RECQL4-related conditions. Experimental studies and prediction algorithms are not available or were not evaluated, and the functional significance of this variant is currently unknown. In summary, the available evidence is currently insufficient to determine the role of this variant in disease. Therefore, it has been classified as a Variant of Uncertain Significance.